The following is an entry in ClinVar:

NM_001384732.1(CPLANE1):c.677G>A (p.Arg226Lys)

Gene: CPLANE1 (ciliogenesis and planar polarity effector complex subunit 1; minus strand). Cytogenetic location: 5p13.2.
Variant type: single nucleotide variant.
Coding change: c.677G>A on transcript NM_001384732.1 (MANE Select); coding-DNA position 677, G replaced by A.
Protein change: p.Arg226Lys; replaces arginine 226 with lysine.
Molecular consequence: missense variant.
Genome position (GRCh38, 1-based): chr5:37,243,013, C>T on the plus strand (G>A on the coding strand, the complement: CPLANE1 is on the minus strand). VCF-style: chr5-37243013-C-T. GRCh37 (hg19) VCF-style: chr5-37243115-C-T.
Other names: c.677G>A, p.Arg226Lys (NM_023073.4); short protein forms R226K.
Identifiers: ClinVar variation 1503176 (VCV001503176.8), dbSNP rs1800913275, ClinGen allele CA359518684.
Genomic context (GRCh38, chr5:37,243,013, plus strand): 5'-CCCTGCCTCCAAAAGAAAAAAAAATCAGTAAGAAAAGGAAGAAGAAAACATTTACCTCAC[C>T]TTACAGATGTAAATACATTCTCATGCCACCGAATTGCTAGAAATGTTAACTTCAGGCATT-3'
Protein context (NP_001371661.1, residues 216-236): RWHENVFTSV[Arg226Lys]SLPYHVHWAQ

ClinVar aggregate classification (germline): Uncertain significance (1 of 4 stars; one submission).

Allele frequency attached by ClinVar (database versions not stated): gnomAD 0.00001.
gnomAD v4.1: 1 of 1,523,606 alleles (0.000066%); highest among the groups gnomAD compares: Admixed American, 0.0022%; no homozygotes.

Submission:

Labcorp Genetics (formerly Invitae), Labcorp
Classification: Uncertain significance. Last evaluated: 2020-12-13. Review status: criteria provided, single submitter. Criteria: Invitae Variant Classification Sherloc (09022015). Collection method: clinical testing. Allele origin: germline.
Comment: This variant has not been reported in the literature in individuals with CPLANE1-related conditions. This variant is not present in population databases (ExAC no frequency). This sequence change replaces arginine with lysine at codon 226 of the CPLANE1 protein (p.Arg226Lys). The arginine residue is weakly conserved and there is a small physicochemical difference between arginine and lysine. This variant also falls at the last nucleotide of exon 6, which is part of the consensus splice site for this exon. Algorithms developed to predict the effect of missense changes on protein structure and function are either unavailable or do not agree on the potential impact of this missense change (SIFT: "Deleterious"; PolyPhen-2: "Benign"; Align-GVGD: "Class C0"). In summary, the available evidence is currently insufficient to determine the role of this variant in disease. Therefore, it has been classified as a Variant of Uncertain Significance. Nucleotide substitutions within the consensus splice site are a relatively common cause of aberrant splicing (PMID: 17576681, 9536098). Algorithms developed to predict the effect of sequence changes on RNA splicing suggest that this variant may disrupt the consensus splice site, but this prediction has not been confirmed by published transcriptional studies.

Literature cited by the submitters: PubMed 17576681; PubMed 9536098.